The following is an entry in ClinVar:

ClinVar aggregate classification (germline): Pathogenic (1 of 4 stars; one submission).

Conditions:
Retinoblastoma (RB1). Also called: RETINOBLASTOMA, SOMATIC. Identifiers: Orphanet 790, MedGen C0035335, MeSH D012175, MONDO:0008380, OMIM 180200, HP:0009919. Disease mechanism: loss of function. Inheritance: Both sporadic and heritable forms are tested..

Submission:

Labcorp Genetics (formerly Invitae), Labcorp
Classification: Pathogenic for Retinoblastoma. Last evaluated: 2020-10-20. Review status: criteria provided, single submitter. Criteria: Invitae Variant Classification Sherloc (09022015). Collection method: clinical testing. Allele origin: germline.
Comment: For these reasons, this variant has been classified as Pathogenic. This variant has not been reported in the literature in individuals with RB1-related conditions. This variant is not present in population databases (ExAC no frequency). This sequence change creates a premature translational stop signal (p.Ala632Profs*10) in the RB1 gene. It is expected to result in an absent or disrupted protein product. Loss-of-function variants in RB1 are known to be pathogenic (PMID: 17096365).

Literature cited by the submitters: PubMed 17096365.

NM_000321.3(RB1):c.1890_1893del (p.Ala632fs)

Gene: RB1 (RB transcriptional corepressor 1; plus strand). Cytogenetic location: 13q14.2.
Variant type: Deletion.
Coding change: c.1890_1893del on transcript NM_000321.3 (MANE Select); coding-DNA positions 1890 to 1893, 4 bases deleted (ACAA; older notation c.1890_1893delACAA).
Protein change: p.Ala632fs; shifts the reading frame from alanine 632.
Molecular consequence: frameshift variant.
Genome position (GRCh38, 1-based): chr13:48,456,279-48,456,282, ACAA deleted. VCF-style (leftmost placement, unchanged base first): chr13-48456278-CACAA-C. GRCh37 (hg19) VCF-style: chr13-49030414-CACAA-C.
Other names: short protein forms A632fs.
Identifiers: ClinVar variation 1452887 (VCV001452887.6), dbSNP rs2138331328, ClinGen allele CA2573149581.
Genomic context (GRCh38, chr13:48,456,278, plus strand): 5'-TAAGATCTCCAAAGAAAAAAGGTTCAACTACGCGTGTAAATTCTACTGCAAATGCAGAGA[CACAA>C]GCAACCTCAGCCTTCCAGACCCAGAAGCCATTGAAATCTACCTCTCTTTCACTGTTTTAT-3'